The following is an entry in ClinVar:

NM_005045.4(RELN):c.6141C>T (p.Phe2047=)

Gene: RELN (reelin; minus strand). Cytogenetic location: 7q22.1.
Variant type: single nucleotide variant.
Coding change: c.6141C>T on transcript NM_005045.4 (MANE Select); coding-DNA position 6141, C replaced by T.
Protein change: p.Phe2047=; no amino-acid change (phenylalanine 2047 retained).
Molecular consequence: synonymous variant.
Genome position (GRCh38, 1-based): chr7:103,551,228, G>A on the plus strand (C>T on the coding strand, the complement: RELN is on the minus strand). VCF-style: chr7-103551228-G-A. GRCh37 (hg19) VCF-style: chr7-103191675-G-A.
Other names: c.6141C>T, p.Phe2047= (NM_173054.3).
Identifiers: ClinVar variation 197439 (VCV000197439.49), dbSNP rs79161241, ClinGen allele CA245577.

ClinVar aggregate classification (germline): Conflicting classifications of pathogenicity. Review status: criteria provided, conflicting classifications (1 of 4 stars). 9 submissions from 9 submitters: Uncertain significance (2); Benign (1); Likely benign (5). 1 of the submissions does not count toward it. Last evaluated 2026-09-01.

Conditions:
RELN-related disorder. Also called: RELN-related condition.
Norman-Roberts syndrome (LIS2). Also called: Lissencephaly 2 (Norman-Roberts type). Identifiers: Orphanet 89844, MedGen C0796089, MONDO:0009760, OMIM 257320.
Familial temporal lobe epilepsy 7. Identifiers: Orphanet 101046, MedGen C4225327, MONDO:0014639, OMIM 616436.

Allele frequency attached by ClinVar (database versions not stated): 1000 Genomes Project 0.00060; 1000 Genomes Project 30x 0.00062; ExAC 0.00071; gnomAD exomes 0.00084 and 0.00215; gnomAD 0.00097 and 0.00098; TOPMed 0.00102; ESP Exome Variant Server 0.00123.
gnomAD v4.1: 3,255 of 1,614,014 alleles (0.2%); highest among the groups gnomAD compares: Non-Finnish European, 0.26%; no homozygotes.

Submissions (9):

CeGaT Center for Human Genetics Tuebingen
Classification: Likely benign. Last evaluated: 2026-09-01. Review status: criteria provided, single submitter. Criteria: CeGaT Center For Human Genetics Tuebingen Variant Classification Criteria Version 2. Collection method: clinical testing. Allele origin: germline. Affected: yes. Observed: 14 variant alleles.
Comment: RELN: BP4, BP7

Labcorp Genetics (formerly Invitae), Labcorp
Classification: Likely benign for Familial temporal lobe epilepsy 7; Norman-Roberts syndrome. Last evaluated: 2026-01-29. Review status: criteria provided, single submitter. Criteria: Invitae Variant Classification Sherloc (09022015). Collection method: clinical testing. Allele origin: germline.

Blueprint Genetics
Classification: Likely benign. Last evaluated: 2024-10-10. Review status: criteria provided, single submitter. Criteria: ACMG Guidelines, 2015. Collection method: clinical testing. Allele origin: germline.

Genetic Services Laboratory, University of Chicago
Classification: Likely benign. Last evaluated: 2018-12-26. Review status: criteria provided, single submitter. Criteria: ACMG Guidelines, 2015. Collection method: clinical testing. Allele origin: germline. Affected: no.

Illumina Laboratory Services, Illumina
Classification: Uncertain significance for Norman-Roberts syndrome. Last evaluated: 2018-01-13. Review status: criteria provided, single submitter. Criteria: ICSL Variant Classification Criteria 13 December 2019. Collection method: clinical testing. Allele origin: germline.

Athena Diagnostics
Classification: Likely benign. Last evaluated: 2017-10-26. Review status: criteria provided, single submitter. Criteria: Athena Diagnostics Criteria. Collection method: clinical testing. Allele origin: germline.

GeneDx
Classification: Benign. Last evaluated: 2015-09-17. Review status: criteria provided, single submitter. Criteria: GeneDx Variant Classification (06012015). Collection method: clinical testing. Allele origin: germline. Affected: yes.
Comment: This variant is considered likely benign or benign based on one or more of the following criteria: it is a conservative change, it occurs at a poorly conserved position in the protein, it is predicted to be benign by multiple in silico algorithms, and/or has population frequency not consistent with disease.

Eurofins Ntd Llc (ga)
Classification: Uncertain significance. Last evaluated: 2015-05-01. Review status: criteria provided, single submitter. Criteria: EGL Classification Definitions 2015. Collection method: clinical testing. Allele origin: germline. Observed: 1 variant allele.

PreventionGenetics, part of Exact Sciences
Classification: Likely benign for RELN-related condition. Last evaluated: 2019-09-30. Review status: no assertion criteria provided. Collection method: clinical testing. Allele origin: germline. Not counted in ClinVar's aggregate classification.
Comment: This variant is classified as likely benign based on ACMG/AMP sequence variant interpretation guidelines (Richards et al. 2015 PMID: 25741868, with internal and published modifications).